The following is an entry in ClinVar:

ClinVar aggregate classification (germline): Uncertain significance (1 of 4 stars; one submission).

gnomAD v4.1: 1 of 1,608,938 alleles (0.000062%); highest among the groups gnomAD compares: Non-Finnish European, 0.000085%; no homozygotes.

Submission:

Labcorp Genetics (formerly Invitae), Labcorp
Classification: Uncertain significance. Last evaluated: 2021-03-06. Review status: criteria provided, single submitter. Criteria: Invitae Variant Classification Sherloc (09022015). Collection method: clinical testing. Allele origin: germline.
Comment: This sequence change replaces leucine with phenylalanine at codon 561 of the RGS9 protein (p.Leu561Phe). The leucine residue is weakly conserved and there is a small physicochemical difference between leucine and phenylalanine. This variant is not present in population databases (ExAC no frequency). This variant has not been reported in the literature in individuals with RGS9-related conditions. Algorithms developed to predict the effect of missense changes on protein structure and function (SIFT, PolyPhen-2, Align-GVGD) all suggest that this variant is likely to be tolerated, but these predictions have not been confirmed by published functional studies and their clinical significance is uncertain. In summary, the available evidence is currently insufficient to determine the role of this variant in disease. Therefore, it has been classified as a Variant of Uncertain Significance.

NM_003835.4(RGS9):c.1681C>T (p.Leu561Phe)

Gene: RGS9 (regulator of G protein signaling 9; plus strand). Cytogenetic location: 17q24.1.
Variant type: single nucleotide variant.
Coding change: c.1681C>T on transcript NM_003835.4 (MANE Select); coding-DNA position 1681, C replaced by T.
Protein change: p.Leu561Phe; replaces leucine 561 with phenylalanine.
Molecular consequence: missense variant.
Genome position (GRCh38, 1-based): chr17:65,225,275, C>T. VCF-style: chr17-65225275-C-T. GRCh37 (hg19) VCF-style: chr17-63221393-C-T.
Other names: c.1672C>T, p.Leu558Phe (NM_001081955.3); short protein forms L558F, L561F.
Identifiers: ClinVar variation 955180 (VCV000955180.9), dbSNP rs1481096441, ClinGen allele CA400673773.